The following is an entry in ClinVar:

NM_001099922.3(ALG13):c.1451A>G (p.Asp484Gly)

Gene: ALG13 (ALG13 UDP-N-acetylglucosaminyltransferase subunit; plus strand). Cytogenetic location: Xq23.
Variant type: single nucleotide variant.
Coding change: c.1451A>G on transcript NM_001099922.3 (MANE Select); coding-DNA position 1451, A replaced by G.
Protein change: p.Asp484Gly; replaces aspartic acid 484 with glycine.
Molecular consequence: missense variant. On other transcripts: intron variant (1).
Genome position (GRCh38, 1-based): chrX:111,722,808, A>G. VCF-style: chrX-111722808-A-G. GRCh37 (hg19) VCF-style: chrX-110966036-A-G.
Other names: c.1139A>G, p.Asp380Gly (NM_001257230.2, NM_001257234.2, NM_001257237.2); c.1217A>G, p.Asp406Gly (NM_001257231.2); c.1451A>G, p.Asp484Gly (NM_001324292.2); c.1015-990A>G (NM_001324293.1); short protein forms D380G, D406G, D484G.
Identifiers: ClinVar variation 3616023 (VCV003616023.2).

ClinVar aggregate classification (germline): Uncertain significance (1 of 4 stars; one submission).

Conditions:
Developmental and epileptic encephalopathy, 36 (DEE36). Also called: Epileptic encephalopathy, early infantile, 36; Congenital disorder of glycosylation, type Is; ALG13-CDG. Identifiers: Orphanet 324422, MedGen C4317295, MONDO:0010472, OMIM 300884.

Submission:

Labcorp Genetics (formerly Invitae), Labcorp
Classification: Uncertain significance for Developmental and epileptic encephalopathy, 36. Last evaluated: 2024-04-24. Review status: criteria provided, single submitter. Criteria: Invitae Variant Classification Sherloc (09022015). Collection method: clinical testing. Allele origin: germline.
Comment: This sequence change replaces aspartic acid, which is acidic and polar, with glycine, which is neutral and non-polar, at codon 484 of the ALG13 protein (p.Asp484Gly). This variant is not present in population databases (gnomAD no frequency). This variant has not been reported in the literature in individuals affected with ALG13-related conditions. Advanced modeling of protein sequence and biophysical properties (such as structural, functional, and spatial information, amino acid conservation, physicochemical variation, residue mobility, and thermodynamic stability) performed at Invitae indicates that this missense variant is not expected to disrupt ALG13 protein function with a negative predictive value of 80%. In summary, the available evidence is currently insufficient to determine the role of this variant in disease. Therefore, it has been classified as a Variant of Uncertain Significance.